The following is an entry in ClinVar:

ClinVar aggregate classification (germline): Benign/Likely benign. Review status: criteria provided, multiple submitters, no conflicts (2 of 4 stars). 7 submissions from 7 submitters: Benign (1); Likely benign (3). 3 of the submissions do not count toward it. Last evaluated 2026-05-12.

Conditions:
SRCAP-related disorder. Also called: SRCAP-related condition.

Allele frequency attached by ClinVar (database versions not stated): ESP Exome Variant Server 0.00024; gnomAD 0.00039 and 0.00055; TOPMed 0.00058; gnomAD exomes 0.00065 and 0.00110; 1000 Genomes Project 0.00100; ExAC 0.00111.

Submissions (7):

Women's Health and Genetics/Laboratory Corporation of America, LabCorp
Classification: Likely benign. Last evaluated: 2026-05-12. Review status: criteria provided, single submitter. Criteria: LabCorp Variant Classification Summary - May 2015. Collection method: clinical testing. Allele origin: germline.

Labcorp Genetics (formerly Invitae), Labcorp
Classification: Benign. Last evaluated: 2026-01-11. Review status: criteria provided, single submitter. Criteria: Invitae Variant Classification Sherloc (09022015). Collection method: clinical testing. Allele origin: germline.

CeGaT Center for Human Genetics Tuebingen
Classification: Likely benign. Last evaluated: 2026-01-01. Review status: criteria provided, single submitter. Criteria: CeGaT Center For Human Genetics Tuebingen Variant Classification Criteria Version 2. Collection method: clinical testing. Allele origin: germline. Affected: yes. Observed: 6 variant alleles.
Comment: SRCAP: PM4:Supporting, BS1

Blueprint Genetics
Classification: Likely benign. Last evaluated: 2024-11-26. Review status: criteria provided, single submitter. Criteria: ACMG Guidelines, 2015. Collection method: clinical testing. Allele origin: germline.

PreventionGenetics, part of Exact Sciences
Classification: Likely benign for SRCAP-related condition. Last evaluated: 2021-03-16. Review status: no assertion criteria provided. Collection method: clinical testing. Allele origin: germline. Not counted in ClinVar's aggregate classification.
Comment: This variant is classified as likely benign based on ACMG/AMP sequence variant interpretation guidelines (Richards et al. 2015 PMID: 25741868, with internal and published modifications).

Clinical Genetics DNA and cytogenetics Diagnostics Lab, Erasmus MC, Erasmus Medical Center
Classification: Likely benign. Review status: no assertion criteria provided. Collection method: clinical testing. Allele origin: germline. Affected: yes. Study: VKGL Data-share Consensus. Not counted in ClinVar's aggregate classification.

Laboratory of Diagnostic Genome Analysis, Leiden University Medical Center (LUMC)
Classification: Likely benign. Review status: no assertion criteria provided. Collection method: clinical testing. Allele origin: germline. Affected: yes. Study: VKGL Data-share Consensus. Not counted in ClinVar's aggregate classification.

NM_006662.3(SRCAP):c.5598_5600del (p.Phe1867del)

Gene: SRCAP (Snf2 related CREBBP activator protein; plus strand). Cytogenetic location: 16p11.2.
Variant type: Deletion.
Coding change: c.5598_5600del on transcript NM_006662.3 (MANE Select); coding-DNA positions 5598 to 5600, 3 bases deleted (GTT; older notation c.5598_5600delGTT).
Protein change: p.Phe1867del; deletes phenylalanine 1867.
Molecular consequence: inframe deletion.
Genome position (GRCh38, 1-based): chr16:30,725,022-30,725,024, GTT deleted. VCF-style (leftmost placement, unchanged base first): chr16-30725021-CGTT-C. GRCh37 (hg19) VCF-style: chr16-30736342-CGTT-C.
Other names: c.5598_5600delGTT (NM_006662.3); c.5598_5600del (NM_006662.2); short protein forms F1867del.
Identifiers: ClinVar variation 318888 (VCV000318888.43), dbSNP rs565950672, ClinGen allele CA8012016.